The following is an entry in ClinVar:

NM_004370.6(COL12A1):c.3544G>A (p.Val1182Ile)

Gene: COL12A1 (collagen type XII alpha 1 chain; minus strand). Cytogenetic location: 6q13.
Variant type: single nucleotide variant.
Coding change: c.3544G>A on transcript NM_004370.6 (MANE Select); coding-DNA position 3544, G replaced by A.
Protein change: p.Val1182Ile; replaces valine 1182 with isoleucine.
Molecular consequence: missense variant. On other transcripts: intron variant (1).
Genome position (GRCh38, 1-based): chr6:75,154,437, C>T on the plus strand (G>A on the coding strand, the complement: COL12A1 is on the minus strand). VCF-style: chr6-75154437-C-T. GRCh37 (hg19) VCF-style: chr6-75864153-C-T.
Other names: c.74-1955G>A (NM_080645.3); short protein forms V1182I.
Identifiers: ClinVar variation 1926073 (VCV001926073.5), dbSNP rs1294234005, ClinGen allele CA364751144.

ClinVar aggregate classification (germline): Uncertain significance (1 of 4 stars; one submission).

Conditions:
Ullrich congenital muscular dystrophy 2 (UCMD2). Identifiers: Orphanet 75840, MedGen C4225314, MONDO:0014654, OMIM 616470.
Bethlem myopathy 2 (BTHLM2). Identifiers: Orphanet 536516, Orphanet 610, MedGen C4225313, MONDO:0034022, OMIM 616471.

Submission:

Labcorp Genetics (formerly Invitae), Labcorp
Classification: Uncertain significance for Bethlem myopathy 2; Ullrich congenital muscular dystrophy 2. Last evaluated: 2022-07-15. Review status: criteria provided, single submitter. Criteria: Invitae Variant Classification Sherloc (09022015). Collection method: clinical testing. Allele origin: germline.
Comment: In summary, the available evidence is currently insufficient to determine the role of this variant in disease. Therefore, it has been classified as a Variant of Uncertain Significance. Algorithms developed to predict the effect of missense changes on protein structure and function (SIFT, PolyPhen-2, Align-GVGD) all suggest that this variant is likely to be tolerated. This variant has not been reported in the literature in individuals affected with COL12A1-related conditions. This variant is not present in population databases (gnomAD no frequency). This sequence change replaces valine, which is neutral and non-polar, with isoleucine, which is neutral and non-polar, at codon 1182 of the COL12A1 protein (p.Val1182Ile).